The following is an entry in ClinVar:

ClinVar aggregate classification (germline): Uncertain significance (1 of 4 stars; one submission).

Conditions:
Autosomal dominant nocturnal frontal lobe epilepsy 5. Also called: Epilepsy, nocturnal frontal lobe, 5; CILIARY DYSKINESIA, PRIMARY, 28, WITHOUT SITUS INVERSUS; CILIARY DYSKINESIA, PRIMARY, 28, WITH SITUS INVERSUS; KCNT1-Related Epilepsy. Identifiers: Orphanet 98784, MedGen C3554306, MONDO:0014002, OMIM 615005.
Developmental and epileptic encephalopathy, 14 (DEE14). Also called: Early infantile epileptic encephalopathy 14. Identifiers: Orphanet 293181, MedGen C3554195, MONDO:0013989, OMIM 614959.

Submission:

Labcorp Genetics (formerly Invitae), Labcorp
Classification: Uncertain significance for Autosomal dominant nocturnal frontal lobe epilepsy 5; Developmental and epileptic encephalopathy, 14. Last evaluated: 2023-04-08. Review status: criteria provided, single submitter. Criteria: Invitae Variant Classification Sherloc (09022015). Collection method: clinical testing. Allele origin: germline.
Comment: In summary, the available evidence is currently insufficient to determine the role of this variant in disease. Therefore, it has been classified as a Variant of Uncertain Significance. An algorithm developed to predict the effect of missense changes on protein structure and function (PolyPhen-2) suggests that this variant is likely to be disruptive. This variant has not been reported in the literature in individuals affected with KCNT1-related conditions. This variant is not present in population databases (gnomAD no frequency). This sequence change replaces proline, which is neutral and non-polar, with leucine, which is neutral and non-polar, at codon 842 of the KCNT1 protein (p.Pro842Leu).

NM_020822.3(KCNT1):c.2525C>T (p.Pro842Leu)

Gene: KCNT1 (potassium sodium-activated channel subfamily T member 1; plus strand). Cytogenetic location: 9q34.3.
Variant type: single nucleotide variant.
Coding change: c.2525C>T on transcript NM_020822.3 (MANE Select); coding-DNA position 2525, C replaced by T.
Protein change: p.Pro842Leu; replaces proline 842 with leucine.
Molecular consequence: missense variant.
Genome position (GRCh38, 1-based): chr9:135,778,426, C>T. VCF-style: chr9-135778426-C-T. GRCh37 (hg19) VCF-style: chr9-138670272-C-T.
Other names: c.2390C>T, p.Pro797Leu (NM_001272003.2); short protein forms P797L, P842L.
Identifiers: ClinVar variation 2942079 (VCV002942079.3), dbSNP rs2491033906, ClinGen allele CA375513835.
Genomic context (GRCh38, chr9:135,778,426, plus strand): 5'-CCTGAGGAGGGCAGGCCTTGAAGCAGGGTGGGCCCCTCCAGGACCGCTGTCCCCACAGGC[C>T]CGACCACCACTTCCTGGAAGCCATCTGCTGCTTCCCCATGGTCTACTACATGGAGGGCTC-3'
Protein context (NP_065873.2, residues 832-852): NPIVLLLDNK[Pro842Leu]DHHFLEAICC